The following is an entry in ClinVar:

NM_015662.3(IFT172):c.153T>G (p.Asp51Glu)

Gene: IFT172 (intraflagellar transport 172; minus strand). Cytogenetic location: 2p23.3.
Variant type: single nucleotide variant.
Coding change: c.153T>G on transcript NM_015662.3 (MANE Select); coding-DNA position 153, T replaced by G.
Protein change: p.Asp51Glu; replaces aspartic acid 51 with glutamic acid.
Molecular consequence: missense variant.
Genome position (GRCh38, 1-based): chr2:27,485,390, A>C on the plus strand (T>G on the coding strand, the complement: IFT172 is on the minus strand). VCF-style: chr2-27485390-A-C. GRCh37 (hg19) VCF-style: chr2-27708257-A-C.
Other names: short protein forms D51E.
Identifiers: ClinVar variation 1047279 (VCV001047279.9), dbSNP rs537341371, ClinGen allele CA1581112.

ClinVar aggregate classification (germline): Uncertain significance (1 of 4 stars; one submission).

Conditions:
Short-rib thoracic dysplasia 10 with or without polydactyly (SRTD10). Identifiers: Orphanet 474, MedGen C3810175, MONDO:0014284, OMIM 615630.
Retinitis pigmentosa 71 (RP71). Identifiers: Orphanet 791, MedGen C4225342, MONDO:0014618, OMIM 616394.

Allele frequency attached by ClinVar (database versions not stated): gnomAD exomes below 0.00001; ExAC 0.00001; gnomAD 0.00001; 1000 Genomes Project 30x 0.00016; 1000 Genomes Project 0.00020.
gnomAD v4.1: 6 of 1,614,114 alleles (0.00037%); highest among the groups gnomAD compares: East Asian, 0.0067%; no homozygotes.

Submission:

Labcorp Genetics (formerly Invitae), Labcorp
Classification: Uncertain significance for Retinitis pigmentosa 71; Short-rib thoracic dysplasia 10 with or without polydactyly. Last evaluated: 2024-10-21. Review status: criteria provided, single submitter. Criteria: Invitae Variant Classification Sherloc (09022015). Collection method: clinical testing. Allele origin: germline.
Comment: This sequence change replaces aspartic acid, which is acidic and polar, with glutamic acid, which is acidic and polar, at codon 51 of the IFT172 protein (p.Asp51Glu). This variant is present in population databases (rs537341371, gnomAD 0.007%). This variant has not been reported in the literature in individuals affected with IFT172-related conditions. ClinVar contains an entry for this variant (Variation ID: 1047279). Invitae Evidence Modeling of protein sequence and biophysical properties (such as structural, functional, and spatial information, amino acid conservation, physicochemical variation, residue mobility, and thermodynamic stability) indicates that this missense variant is not expected to disrupt IFT172 protein function with a negative predictive value of 95%. In summary, the available evidence is currently insufficient to determine the role of this variant in disease. Therefore, it has been classified as a Variant of Uncertain Significance.